The following is an entry in ClinVar:

ClinVar aggregate classification (germline): Benign. Review status: criteria provided, multiple submitters, no conflicts (2 of 4 stars). 2 submissions from 2 submitters: Benign (2). Last evaluated 2018-01-12.

Conditions:
Hereditary factor XI deficiency disease. Also called: PLASMA THROMBOPLASTIN ANTECEDENT DEFICIENCY; PTA DEFICIENCY; ROSENTHAL SYNDROME; Congenital factor XI deficiency. Identifiers: Orphanet 329, MedGen C0015523, MeSH D005173, MONDO:0012897, OMIM 612416.

Allele frequency attached by ClinVar (database versions not stated): gnomAD exomes 0.05586; gnomAD 0.07291 and 0.07317; TOPMed 0.07704; 1000 Genomes Project 30x 0.09104; 1000 Genomes Project 0.09225.
gnomAD v4.1: 21,888 of 346,854 alleles (6.3%); highest among the groups gnomAD compares: African/African-American, 13%; 911 homozygotes.

Submissions (2):

Illumina Laboratory Services, Illumina
Classification: Benign for Hereditary factor XI deficiency disease. Last evaluated: 2018-01-12. Review status: criteria provided, single submitter. Criteria: ICSL Variant Classification Criteria 13 December 2019. Collection method: clinical testing. Allele origin: germline.
Comment: This variant was observed in the ICSL laboratory as part of a predisposition screen in an ostensibly healthy population. It had not been previously curated by ICSL or reported in the Human Gene Mutation Database (HGMD: prior to June 1st, 2018), and was therefore a candidate for classification through an automated scoring system. Utilizing variant allele frequency, disease prevalence and penetrance estimates, and inheritance mode, an automated score was calculated to assess if this variant is too frequent to cause the disease. Based on the score and internal cut-off values, a variant classified as benign is not then subjected to further curation. The score for this variant resulted in a classification of benign for this disease.

Breakthrough Genomics
Classification: Benign. Review status: criteria provided, single submitter. Criteria: ACMG Guidelines, 2015. Collection method: not provided. Allele origin: germline. Inheritance: Unknown mechanism. Affected: yes.

NM_000128.4(F11):c.*322G>A

Genes: F11 (coagulation factor XI; plus strand), F11-AS1 (F11 antisense RNA 1; minus strand). Cytogenetic location: 4q35.2.
Variant type: single nucleotide variant.
Coding change: c.*322G>A on transcript NM_000128.4 (MANE Select); 322 bases downstream of the stop codon, G replaced by A.
Molecular consequence: 3 prime UTR variant. On other transcripts: non-coding transcript variant (1).
Genome position (GRCh38, 1-based): chr4:186,288,936, G>A. VCF-style: chr4-186288936-G-A. GRCh37 (hg19) VCF-style: chr4-187210090-G-A.
Identifiers: ClinVar variation 348384 (VCV000348384.6), dbSNP rs4253865, ClinGen allele CA10618463.